The following is an entry in ClinVar:

ClinVar aggregate classification (germline): Uncertain significance. Review status: criteria provided, multiple submitters, no conflicts (2 of 4 stars). 2 submissions from 2 submitters: Uncertain significance (2). Last evaluated 2026-09-25.

Conditions:
Hypercholesterolemia, autosomal dominant, 3 (FHCL3). Also called: Familial Hypercholesterolemia, Autosomal Dominant, 3; PCSK9-Related Familial Hypercholesterolemia, Autosomal Dominant; Familial hypercholesterolemia 3. Identifiers: MedGen C1863551, MONDO:0011369, OMIM 603776.

Submissions (2):

GeneDx
Classification: Uncertain significance. Last evaluated: 2026-09-25. Review status: criteria provided, single submitter. Criteria: GeneDx Variant Classification Process June 2021. Collection method: clinical testing. Allele origin: germline.
Comment: Not observed at significant frequency in large population cohorts (gnomAD); In silico analysis supports that this missense variant has a deleterious effect on protein structure/function; Has not been previously published as pathogenic or benign to our knowledge

All of Us Research Program, National Institutes of Health
Classification: Uncertain significance for Hypercholesterolemia, autosomal dominant, 3. Last evaluated: 2024-08-30. Review status: criteria provided, single submitter. Criteria: ACMG Guidelines, 2015. Collection method: clinical testing. Allele origin: germline. Inheritance: Autosomal dominant inheritance. Observed: 1 variant allele, 1 heterozygote.
Comment: This study involves interpretation of variants in research participants for the purpose of population health screening. Participant phenotype was not available at the time of variant classification. Additional details can be found in publication PMID: 35346344, PMCID: PMC8962531

NM_174936.4(PCSK9):c.1890G>C (p.Trp630Cys)

Gene: PCSK9 (proprotein convertase subtilisin/kexin type 9; plus strand). Cytogenetic location: 1p32.3.
Variant type: single nucleotide variant.
Coding change: c.1890G>C on transcript NM_174936.4 (MANE Select); coding-DNA position 1890, G replaced by C.
Protein change: p.Trp630Cys; replaces tryptophan 630 with cysteine.
Molecular consequence: missense variant. On other transcripts: non-coding transcript variant (8).
Genome position (GRCh38, 1-based): chr1:55,063,395, G>C. VCF-style: chr1-55063395-G-C. GRCh37 (hg19) VCF-style: chr1-55529068-G-C.
Other names: c.1389G>C, p.Trp463Cys (NM_001407247.1); c.2013G>C, p.Trp671Cys (NM_001407240.1); c.1932G>C, p.Trp644Cys (NM_001407241.1); c.1893G>C, p.Trp631Cys (NM_001407242.1); c.1833G>C, p.Trp611Cys (NM_001407243.1); c.1716G>C, p.Trp572Cys (NM_001407244.1); c.1698G>C, p.Trp566Cys (NM_001407245.1); c.1515G>C, p.Trp505Cys (NM_001407246.1); short protein forms W463C, W505C, W566C, W572C, W611C, W630C, W631C, W644C.
Identifiers: ClinVar variation 3387458 (VCV003387458.3).